The following is an entry in ClinVar:

NM_001100.4(ACTA1):c.991-10T>C

Gene: ACTA1 (actin alpha 1, skeletal muscle; minus strand). Cytogenetic location: 1q42.13.
Variant type: single nucleotide variant.
Coding change: c.991-10T>C on transcript NM_001100.4 (MANE Select); 10 bases into the intron before coding-DNA position 991, T replaced by C.
Molecular consequence: intron variant.
Genome position (GRCh38, 1-based): chr1:229,431,652, A>G on the plus strand (T>C on the coding strand, the complement: ACTA1 is on the minus strand). VCF-style: chr1-229431652-A-G. GRCh37 (hg19) VCF-style: chr1-229567399-A-G.
Identifiers: ClinVar variation 3031561 (VCV003031561.2), dbSNP rs2527435758, ClinGen allele CA2650926581.
Genomic context (GRCh38, chr1:229,431,652, plus strand): 5'-GATGGAGCCGCCGATCCACACCGAGTATTTGCGCTCCGGCGGGGCGATGATCTGCAAGAC[A>G]GCGCGTGAGGTGGGGAGACCTCACCCTGGAGCCCACCCCGCCGACAGCCCGCGCAGGCCA-3'

ClinVar aggregate classification (germline): Likely benign (0 of 4 stars; one submission).

Conditions:
ACTA1-related disorder. Also called: ACTA1-related condition.

Allele frequency attached by ClinVar (database versions not stated): gnomAD exomes below 0.00001.
gnomAD v4.1: 2 of 1,614,062 alleles (0.00012%); highest among the groups gnomAD compares: South Asian, 0.0022%; no homozygotes.

Submission:

PreventionGenetics, part of Exact Sciences
Classification: Likely benign for ACTA1-related condition. Last evaluated: 2023-05-24. Review status: no assertion criteria provided. Collection method: clinical testing. Allele origin: germline.
Comment: This variant is classified as likely benign based on ACMG/AMP sequence variant interpretation guidelines (Richards et al. 2015 PMID: 25741868, with internal and published modifications).